The following is an entry in ClinVar:

NM_002577.4(PAK2):c.1515G>A (p.Pro505=)

Gene: PAK2 (p21 (RAC1) activated kinase 2; plus strand). Cytogenetic location: 3q29.
Variant type: single nucleotide variant.
Coding change: c.1515G>A on transcript NM_002577.4 (MANE Select); coding-DNA position 1515, G replaced by A.
Protein change: p.Pro505=; no amino-acid change (proline 505 retained).
Molecular consequence: synonymous variant.
Genome position (GRCh38, 1-based): chr3:196,828,345, G>A. VCF-style: chr3-196828345-G-A. GRCh37 (hg19) VCF-style: chr3-196555216-G-A.
Identifiers: ClinVar variation 4822218 (VCV004822218.4).

ClinVar aggregate classification (germline): Likely benign (1 of 4 stars; one submission).

gnomAD v4.1: 66 of 1,609,836 alleles (0.0041%); highest among the groups gnomAD compares: Non-Finnish European, 0.0052%; no homozygotes.

Submission:

CeGaT Center for Human Genetics Tuebingen
Classification: Likely benign. Last evaluated: 2026-01-01. Review status: criteria provided, single submitter. Criteria: CeGaT Center For Human Genetics Tuebingen Variant Classification Criteria Version 2. Collection method: clinical testing. Allele origin: germline. Affected: yes. Observed: 1 variant allele.
Comment: PAK2: BP4, BP7